The following is an entry in ClinVar:

ClinVar aggregate classification (germline): Uncertain significance. Review status: criteria provided, multiple submitters, no conflicts (2 of 4 stars). 2 submissions from 2 submitters: Uncertain significance (2). Last evaluated 2024-05-28.

Conditions:
Hereditary cancer-predisposing syndrome. Also called: Neoplastic Syndromes, Hereditary; Tumor predisposition; Hereditary Cancer Syndrome; Hereditary neoplastic syndrome. Identifiers: Orphanet 140162, MedGen C0027672, MeSH D009386, MONDO:0015356.

Allele frequency attached by ClinVar (database versions not stated): gnomAD exomes below 0.00001.
gnomAD v4.1: 1 of 1,612,978 alleles (0.000062%); highest among the groups gnomAD compares: Non-Finnish European, 0.000085%; no homozygotes.

Submissions (2):

Ambry Genetics
Classification: Uncertain significance for Hereditary cancer-predisposing syndrome. Last evaluated: 2024-05-28. Review status: criteria provided, single submitter. Criteria: Ambry Variant Classification Scheme 2023. Collection method: clinical testing. Allele origin: germline.
Comment: The p.D592N variant (also known as c.1774G>A), located in coding exon 11 of the RAD50 gene, results from a G to A substitution at nucleotide position 1774. The aspartic acid at codon 592 is replaced by asparagine, an amino acid with highly similar properties. This amino acid position is well conserved in available vertebrate species. In addition, this alteration is predicted to be tolerated by in silico analysis. Since supporting evidence is limited at this time, the clinical significance of this alteration remains unclear.

Labcorp Genetics (formerly Invitae), Labcorp
Classification: Uncertain significance for Hereditary cancer-predisposing syndrome. Last evaluated: 2022-12-06. Review status: criteria provided, single submitter. Criteria: Invitae Variant Classification Sherloc (09022015). Collection method: clinical testing. Allele origin: germline.
Comment: In summary, the available evidence is currently insufficient to determine the role of this variant in disease. Therefore, it has been classified as a Variant of Uncertain Significance. Advanced modeling of protein sequence and biophysical properties (such as structural, functional, and spatial information, amino acid conservation, physicochemical variation, residue mobility, and thermodynamic stability) performed at Invitae indicates that this missense variant is not expected to disrupt RAD50 protein function. ClinVar contains an entry for this variant (Variation ID: 231740). This variant has not been reported in the literature in individuals affected with RAD50-related conditions. This variant is not present in population databases (gnomAD no frequency). This sequence change replaces aspartic acid, which is acidic and polar, with asparagine, which is neutral and polar, at codon 592 of the RAD50 protein (p.Asp592Asn).

NM_005732.4(RAD50):c.1774G>A (p.Asp592Asn)

Gene: RAD50 (RAD50 double strand break repair protein; plus strand). Cytogenetic location: 5q31.1.
Variant type: single nucleotide variant.
Coding change: c.1774G>A on transcript NM_005732.4 (MANE Select); coding-DNA position 1774, G replaced by A.
Protein change: p.Asp592Asn; replaces aspartic acid 592 with asparagine.
Molecular consequence: missense variant.
Genome position (GRCh38, 1-based): chr5:132,592,015, G>A. VCF-style: chr5-132592015-G-A. GRCh37 (hg19) VCF-style: chr5-131927707-G-A.
Other names: short protein forms D592N.
Identifiers: ClinVar variation 231740 (VCV000231740.17), dbSNP rs876659331, ClinGen allele CA10578540.